The following is an entry in ClinVar:

NM_001122681.2(SH3BP2):c.1676G>T (p.Gly559Val)

Gene: SH3BP2 (SH3 domain binding protein 2; plus strand). Cytogenetic location: 4p16.3.
Variant type: single nucleotide variant.
Coding change: c.1676G>T on transcript NM_001122681.2 (MANE Select); coding-DNA position 1676, G replaced by T.
Protein change: p.Gly559Val; replaces glycine 559 with valine.
Molecular consequence: missense variant.
Genome position (GRCh38, 1-based): chr4:2,833,824, G>T. VCF-style: chr4-2833824-G-T. GRCh37 (hg19) VCF-style: chr4-2835551-G-T.
Other names: c.1847G>T, p.Gly616Val (NM_001145856.2); c.1676G>T, p.Gly559Val (NM_003023.4); c.1760G>T, p.Gly587Val (NM_001145855.2); short protein forms G559V, G587V, G616V.
Identifiers: ClinVar variation 3658336 (VCV003658336.2).

ClinVar aggregate classification (germline): Uncertain significance (1 of 4 stars; one submission).

Conditions:
Fibrous dysplasia of jaw (CRBM). Also called: Cherubism. Identifiers: Orphanet 184, MedGen C0008029, MONDO:0007315, OMIM 118400.

Submission:

Labcorp Genetics (formerly Invitae), Labcorp
Classification: Uncertain significance for Fibrous dysplasia of jaw. Last evaluated: 2024-07-06. Review status: criteria provided, single submitter. Criteria: Invitae Variant Classification Sherloc (09022015). Collection method: clinical testing. Allele origin: germline.
Comment: This sequence change replaces glycine, which is neutral and non-polar, with valine, which is neutral and non-polar, at codon 559 of the SH3BP2 protein (p.Gly559Val). This variant is not present in population databases (gnomAD no frequency). This variant has not been reported in the literature in individuals affected with SH3BP2-related conditions. Advanced modeling of protein sequence and biophysical properties (such as structural, functional, and spatial information, amino acid conservation, physicochemical variation, residue mobility, and thermodynamic stability) performed at Invitae indicates that this missense variant is not expected to disrupt SH3BP2 protein function with a negative predictive value of 80%. In summary, the available evidence is currently insufficient to determine the role of this variant in disease. Therefore, it has been classified as a Variant of Uncertain Significance.